The following is an entry in ClinVar:

ClinVar aggregate classification (germline): Conflicting classifications of pathogenicity. Review status: criteria provided, conflicting classifications (1 of 4 stars). 2 submissions from 2 submitters: Likely pathogenic (1); Uncertain significance (1). Last evaluated 2025-06-02.

Conditions:
Congenital myopathy with fiber type disproportion. Also called: Congenital fiber-type disproportion; Congenital fiber-type disproportion myopathy. Identifiers: Orphanet 2020, MedGen C0546264, MONDO:0009711. Inheritance: all.
Actin accumulation myopathy (CMYO2A). Also called: CONGENITAL MYOPATHY 2A, TYPICAL, AUTOSOMAL DOMINANT; Myopathy, actin, congenital, with cores; Nemaline myopathy 3, with intranuclear rods; Nemaline myopathy type 3; Myopathy, actin, congenital, with excess of thin myofilaments. Identifiers: Orphanet 98904, MedGen C3711389, MONDO:0008070, OMIM 161800.

Submissions (2):

Labcorp Genetics (formerly Invitae), Labcorp
Classification: Uncertain significance for Actin accumulation myopathy. Last evaluated: 2025-06-02. Review status: criteria provided, single submitter. Criteria: Invitae Variant Classification Sherloc (09022015). Collection method: clinical testing. Allele origin: germline.
Comment: This variant, c.581_589del, is a complex sequence change that results in the deletion of 4 and insertion of 1 amino acid(s) in the ACTA1 protein (p.Ile194_Glu197delinsLys). This variant is not present in population databases (gnomAD no frequency). This variant has not been reported in the literature in individuals affected with ACTA1-related conditions. ClinVar contains an entry for this variant (Variation ID: 986377). Experimental studies and prediction algorithms are not available or were not evaluated, and the functional significance of this variant is currently unknown. In summary, the available evidence is currently insufficient to determine the role of this variant in disease. Therefore, it has been classified as a Variant of Uncertain Significance.

Broad Center for Mendelian Genomics, Broad Institute of MIT and Harvard
Classification: Likely pathogenic for Congenital myopathy with fiber type disproportion. Last evaluated: 2020-11-16. Review status: criteria provided, single submitter. Criteria: ACMG Guidelines, 2015. Collection method: curation. Allele origin: germline. Inheritance: Autosomal dominant inheritance.
Comment: Trio genome analysis showed this variant to be de novo. The variant has not been previously reported in individuals with congenital fiber-type disproportion myopathy and was absent from large population studies. This variant is a deletion of 9 bases at position 581 and is not predicted to alter the protein reading-frame. It is unclear if this deletion will impact the protein. In summary, although additional studies are required to fully establish its clinical significance, this variant is likely pathogenic. ACMG/AMP Criteria applied: PS2, PM2, PM4 (Richards 2015).

NM_001100.4(ACTA1):c.581_589del (p.Ile194_Glu197delinsLys)

Gene: ACTA1 (actin alpha 1, skeletal muscle; minus strand). Cytogenetic location: 1q42.13.
Variant type: Deletion.
Coding change: c.581_589del on transcript NM_001100.4 (MANE Select); coding-DNA positions 581 to 589, 9 bases deleted (TCCTCACTG; older notation c.581_589delTCCTCACTG).
Protein change: p.Ile194_Glu197delinsLys.
Molecular consequence: inframe indel.
Genome position (GRCh38, 1-based): chr1:229,432,297-229,432,305, CAGTGAGGA deleted on the plus strand (TCCTCACTG on the coding strand, the reverse complement: ACTA1 is on the minus strand). VCF-style (leftmost placement, unchanged base first): chr1-229432296-TCAGTGAGGA-T. GRCh37 (hg19) VCF-style: chr1-229568043-TCAGTGAGGA-T.
Identifiers: ClinVar variation 986377 (VCV000986377.2), dbSNP rs1659962077, ClinGen allele CA915940831.